The following is an entry in ClinVar:

NM_001184.4(ATR):c.548A>G (p.Asp183Gly)

Gene: ATR (ATR checkpoint kinase; minus strand). Cytogenetic location: 3q23.
Variant type: single nucleotide variant.
Coding change: c.548A>G on transcript NM_001184.4 (MANE Select); coding-DNA position 548, A replaced by G.
Protein change: p.Asp183Gly; replaces aspartic acid 183 with glycine.
Molecular consequence: missense variant.
Genome position (GRCh38, 1-based): chr3:142,562,854, T>C on the plus strand (A>G on the coding strand, the complement: ATR is on the minus strand). VCF-style: chr3-142562854-T-C. GRCh37 (hg19) VCF-style: chr3-142281696-T-C.
Other names: c.548A>G, p.Asp183Gly (NM_001354579.2); c.548A>G (NM_001184.3); short protein forms D183G.
Identifiers: ClinVar variation 1043650 (VCV001043650.9), dbSNP rs373859192, ClinGen allele CA354826512.

ClinVar aggregate classification (germline): Uncertain significance. Review status: criteria provided, multiple submitters, no conflicts (2 of 4 stars). 2 submissions from 2 submitters: Uncertain significance (2). Last evaluated 2025-05-17.

Conditions:
Inborn genetic diseases. Identifiers: MedGen C0950123, MeSH D030342.

Submissions (2):

Ambry Genetics
Classification: Uncertain significance for Inborn genetic diseases. Last evaluated: 2025-05-17. Review status: criteria provided, single submitter. Criteria: Ambry Variant Classification Scheme 2023. Collection method: clinical testing. Allele origin: germline.

Labcorp Genetics (formerly Invitae), Labcorp
Classification: Uncertain significance. Last evaluated: 2020-10-20. Review status: criteria provided, single submitter. Criteria: Invitae Variant Classification Sherloc (09022015). Collection method: clinical testing. Allele origin: germline.
Comment: In summary, the available evidence is currently insufficient to determine the role of this variant in disease. Therefore, it has been classified as a Variant of Uncertain Significance. Algorithms developed to predict the effect of sequence changes on RNA splicing suggest that this variant may create or strengthen a splice site, but this prediction has not been confirmed by published transcriptional studies. Algorithms developed to predict the effect of missense changes on protein structure and function (SIFT, PolyPhen-2, Align-GVGD) all suggest that this variant is likely to be tolerated, but these predictions have not been confirmed by published functional studies and their clinical significance is uncertain. This variant has not been reported in the literature in individuals with ATR-related conditions. This variant is not present in population databases (ExAC no frequency). This sequence change replaces aspartic acid with glycine at codon 183 of the ATR protein (p.Asp183Gly). The aspartic acid residue is weakly conserved and there is a moderate physicochemical difference between aspartic acid and glycine.